The following is an entry in ClinVar:

NM_020207.7(ERCC6L2):c.4634A>G (p.Asn1545Ser)

Gene: ERCC6L2 (ERCC excision repair 6 like 2; plus strand). Cytogenetic location: 9q22.32.
Variant type: single nucleotide variant.
Coding change: c.4634A>G on transcript NM_020207.7 (MANE Select); coding-DNA position 4634, A replaced by G.
Protein change: p.Asn1545Ser; replaces asparagine 1545 with serine.
Molecular consequence: missense variant. On other transcripts: non-coding transcript variant (1), intron variant (2).
Genome position (GRCh38, 1-based): chr9:96,013,184, A>G. VCF-style: chr9-96013184-A-G. GRCh37 (hg19) VCF-style: chr9-98775466-A-G.
Other names: c.3674+8483A>G (NM_001375291.1, NM_001375292.1); short protein forms N1545S.
Identifiers: ClinVar variation 2787139 (VCV002787139.2), dbSNP rs577603527, ClinGen allele CA5140141.

ClinVar aggregate classification (germline): Uncertain significance (1 of 4 stars; one submission).

Allele frequency attached by ClinVar (database versions not stated): ExAC 0.00001; gnomAD 0.00001; 1000 Genomes Project 30x 0.00016; 1000 Genomes Project 0.00020.
gnomAD v4.1: 1 of 1,364,340 alleles (0.000073%); highest among the groups gnomAD compares: Admixed American, 0.0019%; no homozygotes.

Submission:

Labcorp Genetics (formerly Invitae), Labcorp
Classification: Uncertain significance. Last evaluated: 2023-05-22. Review status: criteria provided, single submitter. Criteria: Invitae Variant Classification Sherloc (09022015). Collection method: clinical testing. Allele origin: germline.
Comment: In summary, the available evidence is currently insufficient to determine the role of this variant in disease. Therefore, it has been classified as a Variant of Uncertain Significance. Experimental studies and prediction algorithms are not available or were not evaluated, and the functional significance of this variant is currently unknown. This variant has not been reported in the literature in individuals affected with ERCC6L2-related conditions. This variant is present in population databases (rs577603527, gnomAD 0.003%). This sequence change replaces asparagine, which is neutral and polar, with serine, which is neutral and polar, at codon 1556 of the ERCC6L2 protein (p.Asn1556Ser).